The following is an entry in ClinVar:

ClinVar aggregate classification (germline): Likely benign. Review status: criteria provided, multiple submitters, no conflicts (2 of 4 stars). 3 submissions from 3 submitters: Likely benign (3). Last evaluated 2026-06-01.

Conditions:
Cardiovascular phenotype. Identifiers: MedGen CN230736.
Myofibrillar myopathy 5. Also called: Filaminopathy (type); FILAMINOPATHY, AUTOSOMAL DOMINANT. Identifiers: Orphanet 171445, MedGen C1836050, MONDO:0012289, OMIM 609524.
Distal myopathy with posterior leg and anterior hand involvement. Also called: WILLIAMS DISTAL MYOPATHY. Identifiers: Orphanet 63273, MedGen C3279722, MONDO:0013550, OMIM 614065.
Hypertrophic cardiomyopathy 26. Also called: Cardiomyopathy, familial hypertrophic, 26. Identifiers: Orphanet 75249, MedGen C4310749, MONDO:0014883, OMIM 617047.

Allele frequency attached by ClinVar (database versions not stated): TOPMed below 0.00001; gnomAD 0.00001; gnomAD exomes 0.00001.
gnomAD v4.1: 3 of 1,552,964 alleles (0.00019%); highest among the groups gnomAD compares: Admixed American, 0.0058%; no homozygotes.

Submissions (3):

CeGaT Center for Human Genetics Tuebingen
Classification: Likely benign. Last evaluated: 2026-06-01. Review status: criteria provided, single submitter. Criteria: CeGaT Center For Human Genetics Tuebingen Variant Classification Criteria Version 2. Collection method: clinical testing. Allele origin: germline. Affected: yes. Observed: 1 variant allele.
Comment: FLNC: BP4, BP7

Labcorp Genetics (formerly Invitae), Labcorp
Classification: Likely benign for Distal myopathy with posterior leg and anterior hand involvement; Myofibrillar myopathy 5; Hypertrophic cardiomyopathy 26. Last evaluated: 2025-10-03. Review status: criteria provided, single submitter. Criteria: Invitae Variant Classification Sherloc (09022015). Collection method: clinical testing. Allele origin: germline.

Ambry Genetics
Classification: Likely benign for Cardiovascular phenotype. Last evaluated: 2023-01-05. Review status: criteria provided, single submitter. Criteria: Ambry Variant Classification Scheme 2023. Collection method: clinical testing. Allele origin: germline.

NM_001458.5(FLNC):c.2385G>T (p.Gly795=)

Gene: FLNC (filamin C; plus strand). Cytogenetic location: 7q32.1.
Variant type: single nucleotide variant.
Coding change: c.2385G>T on transcript NM_001458.5 (MANE Select); coding-DNA position 2385, G replaced by T.
Protein change: p.Gly795=; no amino-acid change (glycine 795 retained).
Molecular consequence: synonymous variant.
Genome position (GRCh38, 1-based): chr7:128,842,694, G>T. VCF-style: chr7-128842694-G-T. GRCh37 (hg19) VCF-style: chr7-128482748-G-T.
Other names: c.2385G>T (NM_001458.4); c.2385G>T, p.Gly795= (NM_001127487.2).
Identifiers: ClinVar variation 1568397 (VCV001568397.11), dbSNP rs758439866, ClinGen allele CA4474695.